The following is an entry in ClinVar:

NM_004667.6(HERC2):c.8035A>G (p.Ile2679Val)

Gene: HERC2 (HECT and RLD domain containing E3 ubiquitin protein ligase 2; minus strand). Cytogenetic location: 15q13.1.
Variant type: single nucleotide variant.
Coding change: c.8035A>G on transcript NM_004667.6 (MANE Select); coding-DNA position 8035, A replaced by G.
Protein change: p.Ile2679Val; replaces isoleucine 2679 with valine.
Molecular consequence: missense variant.
Genome position (GRCh38, 1-based): chr15:28,196,546, T>C on the plus strand (A>G on the coding strand, the complement: HERC2 is on the minus strand). VCF-style: chr15-28196546-T-C. GRCh37 (hg19) VCF-style: chr15-28441692-T-C.
Other names: c.8035A>G (NM_004667.5); short protein forms I2679V.
Identifiers: ClinVar variation 2364598 (VCV002364598.4), dbSNP rs148225341, ClinGen allele CA7441587.

ClinVar aggregate classification (germline): Conflicting classifications of pathogenicity. Review status: criteria provided, conflicting classifications (1 of 4 stars). 2 submissions from 2 submitters: Uncertain significance (1); Likely benign (1). Last evaluated 2025-05-17.

Conditions:
Inborn genetic diseases. Identifiers: MedGen C0950123, MeSH D030342.

Allele frequency attached by ClinVar (database versions not stated): TOPMed 0.00015; gnomAD 0.00017; ExAC 0.00022; gnomAD exomes 0.00026; ESP Exome Variant Server 0.00031.
gnomAD v4.1: 407 of 1,612,106 alleles (0.025%); highest among the groups gnomAD compares: Non-Finnish European, 0.033%; no homozygotes.

Submissions (2):

GeneDx
Classification: Uncertain significance. Last evaluated: 2025-05-17. Review status: criteria provided, single submitter. Criteria: GeneDx Variant Classification Process June 2021. Collection method: clinical testing. Allele origin: germline. Affected: yes.
Comment: In silico analysis suggests that this missense variant does not alter protein structure/function; Has not been previously published as pathogenic or benign to our knowledge

Ambry Genetics
Classification: Likely benign for Inborn genetic diseases. Last evaluated: 2021-07-09. Review status: criteria provided, single submitter. Criteria: Ambry Variant Classification Scheme 2023. Collection method: clinical testing. Allele origin: germline.